The following is an entry in ClinVar:

ClinVar aggregate classification (germline): Uncertain significance (1 of 4 stars; one submission).

Conditions:
Catecholaminergic polymorphic ventricular tachycardia 1. Also called: VENTRICULAR TACHYCARDIA, STRESS-INDUCED POLYMORPHIC 1; RYR2-Related Catecholaminergic Polymorphic Ventricular Tachycardia; VENTRICULAR TACHYCARDIA, CATECHOLAMINERGIC POLYMORPHIC, 1, WITH OR WITHOUT ATRIAL DYSFUNCTION AND/OR DILATED CARDIOMYOPATHY. Identifiers: Orphanet 3286, MedGen C1631597, MONDO:0011484, OMIM 604772.

gnomAD v4.1: 1 of 1,472,500 alleles (0.000068%); highest among the groups gnomAD compares: East Asian, 0.0023%; no homozygotes.

Submission:

Labcorp Genetics (formerly Invitae), Labcorp
Classification: Uncertain significance for Catecholaminergic polymorphic ventricular tachycardia 1. Last evaluated: 2025-09-16. Review status: criteria provided, single submitter. Criteria: Invitae Variant Classification Sherloc (09022015). Collection method: clinical testing. Allele origin: germline.
Comment: This sequence change replaces tyrosine, which is neutral and polar, with phenylalanine, which is neutral and non-polar, at codon 4520 of the RYR2 protein (p.Tyr4520Phe). The frequency data for this variant in the population databases is considered unreliable, as metrics indicate poor data quality at this position in the gnomAD database. This variant has not been reported in the literature in individuals affected with RYR2-related conditions. Invitae Evidence Modeling of protein sequence and biophysical properties (such as structural, functional, and spatial information, amino acid conservation, physicochemical variation, residue mobility, and thermodynamic stability) indicates that this missense variant is expected to disrupt RYR2 protein function with a positive predictive value of 95%. In summary, the available evidence is currently insufficient to determine the role of this variant in disease. Therefore, it has been classified as a Variant of Uncertain Significance.

NM_001035.3(RYR2):c.13559A>T (p.Tyr4520Phe)

Gene: RYR2 (ryanodine receptor 2; plus strand). Cytogenetic location: 1q43.
Variant type: single nucleotide variant.
Coding change: c.13559A>T on transcript NM_001035.3 (MANE Select); coding-DNA position 13559, A replaced by T.
Protein change: p.Tyr4520Phe; replaces tyrosine 4520 with phenylalanine.
Molecular consequence: missense variant.
Genome position (GRCh38, 1-based): chr1:237,791,511, A>T. VCF-style: chr1-237791511-A-T. GRCh37 (hg19) VCF-style: chr1-237954811-A-T.
Other names: short protein forms Y4520F.
Identifiers: ClinVar variation 4800126 (VCV004800126.1).